The following is an entry in ClinVar:

NM_006767.4(LZTR1):c.1785+2T>A

Gene: LZTR1 (leucine zipper like post translational regulator 1; plus strand). Cytogenetic location: 22q11.21.
Variant type: single nucleotide variant.
Coding change: c.1785+2T>A on transcript NM_006767.4 (MANE Select); the canonical splice donor site of the intron after coding-DNA position 1785, T replaced by A.
Molecular consequence: splice donor variant.
Genome position (GRCh38, 1-based): chr22:20,994,729, T>A. VCF-style: chr22-20994729-T-A. GRCh37 (hg19) VCF-style: chr22-21349018-T-A.
Other names: c.1785+2T>A (NM_006767.3).
Identifiers: ClinVar variation 2187562 (VCV002187562.6), dbSNP rs1448380294, ClinGen allele CA410778406.

ClinVar aggregate classification (germline): Pathogenic/Likely pathogenic. Review status: criteria provided, multiple submitters, no conflicts (2 of 4 stars). 2 submissions from 2 submitters: Pathogenic (1); Likely pathogenic (1). Last evaluated 2025-12-02.

Conditions:
Cardiovascular phenotype. Identifiers: MedGen CN230736.
Hereditary cancer-predisposing syndrome. Also called: Hereditary Cancer Syndrome; Tumor predisposition; Hereditary neoplastic syndrome; Neoplastic Syndromes, Hereditary. Identifiers: Orphanet 140162, MedGen C0027672, MeSH D009386, MONDO:0015356.

Allele frequency attached by ClinVar (database versions not stated): gnomAD exomes below 0.00001; gnomAD 0.00001; TOPMed 0.00001.
gnomAD v4.1: 3 of 1,611,042 alleles (0.00019%); highest among the groups gnomAD compares: African/African-American, 0.004%; no homozygotes.

Submissions (2):

Labcorp Genetics (formerly Invitae), Labcorp
Classification: Pathogenic. Last evaluated: 2025-12-02. Review status: criteria provided, single submitter. Criteria: Invitae Variant Classification Sherloc (09022015). Collection method: clinical testing. Allele origin: germline.
Comment: This sequence change affects a donor splice site in intron 15 of the LZTR1 gene. It is expected to disrupt RNA splicing. Variants that disrupt the donor or acceptor splice site typically lead to a loss of protein function (PMID: 16199547), and loss-of-function variants in LZTR1 are known to be pathogenic (PMID: 24362817, 25335493, 25480913, 25795793, 29469822, 30368668, 30442762, 30442766, 30481304, 30859559). This variant is present in population databases (no rsID available, gnomAD 0.01%). Disruption of this splice site has been observed in individuals with LZTR1-related conditions (PMID: 25480913, 35726512, 36307859). ClinVar contains an entry for this variant (Variation ID: 2187562). Algorithms developed to predict the effect of sequence changes on RNA splicing suggest that this variant may disrupt the consensus splice site. For these reasons, this variant has been classified as Pathogenic.

Ambry Genetics
Classification: Likely pathogenic for Cardiovascular phenotype; Hereditary cancer-predisposing syndrome. Last evaluated: 2025-09-17. Review status: criteria provided, single submitter. Criteria: Ambry Variant Classification Scheme 2023. Collection method: clinical testing. Allele origin: germline.
Comment: The c.1785+2T>A intronic variant results from a T to A substitution two nucleotides after coding exon 15 in the LZTR1 gene. This nucleotide position is highly conserved in available vertebrate species. In silico splice site analysis predicts that this alteration will weaken the native splice donor site and will result in the creation or strengthening of a novel splice donor site; however, direct evidence is insufficient at this time (Ambry internal data). Alterations that disrupt the canonical splice site are expected to cause aberrant splicing, resulting in an abnormal protein or a transcript that is subject to nonsense-mediated mRNA decay. Loss-of-function variants in LZTR1 are related to an increased risk for schwannomas and autosomal recessive Noonan syndrome; however, such associations with autosomal dominant Noonan syndrome have not been observed (Piotrowski A et al. Nat Genet. 2014 Feb;46:182-7; Yamamoto GL et al. J Med Genet. 2015 Jun;52:413-21; Johnston JJ et al. Genet Med. 2018 10;20:1175-1185). Based on the supporting evidence, this variant is likely pathogenic for an increased risk of LZTR1-related schwannomatosis (SWN) and would be expected to cause autosomal recessive Noonan syndrome when present along with a second pathogenic or likely pathogenic variant on the other allele; however, the association of this alteration with autosomal dominant Noonan syndrome is unlikely.

Literature cited by the submitters: PubMed 16199547 (cited by Labcorp Genetics (formerly Invitae), Labcorp); PubMed 24362817 (cited by Labcorp Genetics (formerly Invitae), Labcorp); PubMed 25335493 (cited by Labcorp Genetics (formerly Invitae), Labcorp); PubMed 25480913 (cited by Labcorp Genetics (formerly Invitae), Labcorp); PubMed 25795793 (cited by Labcorp Genetics (formerly Invitae), Labcorp); PubMed 29469822 (cited by Labcorp Genetics (formerly Invitae), Labcorp); PubMed 30368668 (cited by Labcorp Genetics (formerly Invitae), Labcorp); PubMed 30442762 (cited by Labcorp Genetics (formerly Invitae), Labcorp); PubMed 30442766 (cited by Labcorp Genetics (formerly Invitae), Labcorp); PubMed 30481304 (cited by Labcorp Genetics (formerly Invitae), Labcorp); PubMed 30859559 (cited by Labcorp Genetics (formerly Invitae), Labcorp); PubMed 35726512 (cited by Labcorp Genetics (formerly Invitae), Labcorp); PubMed 36307859 (cited by Labcorp Genetics (formerly Invitae), Labcorp).